The following is an entry in ClinVar:

NM_016216.4(DBR1):c.93C>T (p.Val31=)

Genes: DBR1 (debranching RNA lariats 1; minus strand), LOC129937648 (ATAC-STARR-seq lymphoblastoid active region 20601; plus strand). Cytogenetic location: 3q22.3.
Variant type: single nucleotide variant.
Coding change: c.93C>T on transcript NM_016216.4 (MANE Select); coding-DNA position 93, C replaced by T.
Protein change: p.Val31=; no amino-acid change (valine 31 retained).
Molecular consequence: synonymous variant.
Genome position (GRCh38, 1-based): chr3:138,174,703, G>A on the plus strand (C>T on the coding strand, the complement: DBR1 is on the minus strand). VCF-style: chr3-138174703-G-A. GRCh37 (hg19) VCF-style: chr3-137893545-G-A.
Identifiers: ClinVar variation 3698402 (VCV003698402.10).

ClinVar aggregate classification (germline): Likely benign. Review status: criteria provided, multiple submitters, no conflicts (2 of 4 stars). 2 submissions from 2 submitters: Likely benign (2). Last evaluated 2025-06-01.

gnomAD v4.1: 22 of 1,612,666 alleles (0.0014%); highest among the groups gnomAD compares: Non-Finnish European, 0.0016%; no homozygotes.

Submissions (2):

CeGaT Center for Human Genetics Tuebingen
Classification: Likely benign. Last evaluated: 2025-06-01. Review status: criteria provided, single submitter. Criteria: CeGaT Center For Human Genetics Tuebingen Variant Classification Criteria Version 2. Collection method: clinical testing. Allele origin: germline. Affected: yes. Observed: 1 variant allele.
Comment: DBR1: BP4, BP7

Labcorp Genetics (formerly Invitae), Labcorp
Classification: Likely benign. Last evaluated: 2024-10-10. Review status: criteria provided, single submitter. Criteria: Invitae Variant Classification Sherloc (09022015). Collection method: clinical testing. Allele origin: germline.